The following is an entry in ClinVar:

ClinVar aggregate classification (germline): Uncertain significance (1 of 4 stars; one submission).

Conditions:
Joubert syndrome. Also called: CEREBELLOPARENCHYMAL DISORDER IV; JOUBERT-BOLTSHAUSER SYNDROME; Familial aplasia of the vermis. Identifiers: Orphanet 475, MedGen C5979921, MONDO:0018772.
Meckel-Gruber syndrome. Also called: DYSENCEPHALIA SPLANCHNOCYSTICA; GRUBER SYNDROME; Dysencephalia splachnocystica. Identifiers: Orphanet 564, MedGen C0265215, MONDO:0018921.

gnomAD v4.1: 2 of 1,614,238 alleles (0.00012%); highest among the groups gnomAD compares: Middle Eastern, 0.016%; no homozygotes.

Submission:

Labcorp Genetics (formerly Invitae), Labcorp
Classification: Uncertain significance for Joubert syndrome; Meckel-Gruber syndrome. Last evaluated: 2022-05-25. Review status: criteria provided, single submitter. Criteria: Invitae Variant Classification Sherloc (09022015). Collection method: clinical testing. Allele origin: germline.
Comment: In summary, the available evidence is currently insufficient to determine the role of this variant in disease. Therefore, it has been classified as a Variant of Uncertain Significance. Advanced modeling of protein sequence and biophysical properties (such as structural, functional, and spatial information, amino acid conservation, physicochemical variation, residue mobility, and thermodynamic stability) performed at Invitae indicates that this missense variant is not expected to disrupt TMEM67 protein function. This variant has not been reported in the literature in individuals affected with TMEM67-related conditions. This variant is not present in population databases (gnomAD no frequency). This sequence change replaces proline, which is neutral and non-polar, with leucine, which is neutral and non-polar, at codon 31 of the TMEM67 protein (p.Pro31Leu).

NM_153704.6(TMEM67):c.92C>T (p.Pro31Leu)

Gene: TMEM67 (transmembrane protein 67; plus strand). Cytogenetic location: 8q22.1.
Variant type: single nucleotide variant.
Coding change: c.92C>T on transcript NM_153704.6 (MANE Select); coding-DNA position 92, C replaced by T.
Protein change: p.Pro31Leu; replaces proline 31 with leucine.
Molecular consequence: missense variant. On other transcripts: non-coding transcript variant (1), intron variant (1).
Genome position (GRCh38, 1-based): chr8:93,755,006, C>T. VCF-style: chr8-93755006-C-T. GRCh37 (hg19) VCF-style: chr8-94767234-C-T.
Other names: c.-179-14C>T (NM_001142301.1); short protein forms P31L.
Identifiers: ClinVar variation 2157507 (VCV002157507.4), dbSNP rs1054088508, ClinGen allele CA181304150.